The following is an entry in ClinVar:

ClinVar aggregate classification (germline): Pathogenic (1 of 4 stars; one submission).

Conditions:
Mitochondrial DNA depletion syndrome 1. Also called: POLIP SYNDROME; POLYNEUROPATHY, OPHTHALMOPLEGIA, LEUKOENCEPHALOPATHY, AND INTESTINAL PSEUDOOBSTRUCTION; Mitochondrial Neurogastrointestinal Encephalopathy Disease; MITOCHONDRIAL NEUROGASTROINTESTINAL ENCEPHALOPATHY SYNDROME, TYMP-RELATED; MNGIE, TYMP-RELATED; Mitochondrial neurogastrointestinal encephalomyopathy syndrome. Identifiers: Orphanet 298, MedGen C4551995, MONDO:0011283, OMIM 603041.

Submission:

Myriad Genetics, Inc.
Classification: Pathogenic for Mitochondrial DNA depletion syndrome 1. Last evaluated: 2026-03-19. Review status: criteria provided, single submitter. Criteria: Myriad Autosomal Dominant, Autosomal Recessive and X-Linked Classification Criteria (2023). Collection method: clinical testing. Allele origin: unknown.
Comment: NM_001953.4(TYMP):c.148_149delAG(S50Rfs*73) is expected to be pathogenic in the context of mitochondrial neurogastrointestinal encephalopathy disease. This variant is predicted to lead to an abnormal or absent protein product due to the creation of a premature termination codon in TYMP, a gene where loss-of-function variants are known to be pathogenic. Please note: this variant was assessed in the context of healthy population screening.

NM_001953.5(TYMP):c.148_149del (p.Ser50fs)

Gene: TYMP (thymidine phosphorylase; minus strand). Cytogenetic location: 22q13.33.
Variant type: Deletion.
Coding change: c.148_149del on transcript NM_001953.5 (MANE Select); coding-DNA positions 148 to 149, 2 bases deleted (AG; older notation c.148_149delAG).
Protein change: p.Ser50fs; shifts the reading frame from serine 50.
Molecular consequence: frameshift variant.
Genome position (GRCh38, 1-based): chr22:50,529,561-50,529,562, CT deleted on the plus strand (AG on the coding strand, the reverse complement: TYMP is on the minus strand); deleting any 2 consecutive bases within chr22:50,529,561-50,529,563 gives the same sequence; the c. name uses the placement nearest the transcript's 3' end. VCF-style (leftmost placement, unchanged base first): chr22-50529560-GCT-G. GRCh37 (hg19) VCF-style: chr22-50967989-GCT-G.
Other names: c.148_149del, p.Ser50fs (NM_001113755.3, NM_001113756.3, NM_001257988.1 and 1 more transcripts); short protein forms S50fs.
Identifiers: ClinVar variation 5010617 (VCV005010617.1).